The following is an entry in ClinVar:

ClinVar aggregate classification (germline): Uncertain significance. Review status: criteria provided, multiple submitters, no conflicts (2 of 4 stars). 4 submissions from 4 submitters: Uncertain significance (4). Last evaluated 2025-12-08.

Conditions:
Myofibrillar myopathy 5. Also called: FILAMINOPATHY, AUTOSOMAL DOMINANT; Filaminopathy (type). Identifiers: Orphanet 171445, MedGen C1836050, MONDO:0012289, OMIM 609524.
Distal myopathy with posterior leg and anterior hand involvement. Also called: WILLIAMS DISTAL MYOPATHY. Identifiers: Orphanet 63273, MedGen C3279722, MONDO:0013550, OMIM 614065.
Hypertrophic cardiomyopathy 26. Also called: Cardiomyopathy, familial hypertrophic, 26. Identifiers: Orphanet 75249, MedGen C4310749, MONDO:0014883, OMIM 617047.
Cardiovascular phenotype. Identifiers: MedGen CN230736.

Allele frequency attached by ClinVar (database versions not stated): TOPMed 0.00001; gnomAD 0.00003.
gnomAD v4.1: 49 of 1,614,084 alleles (0.003%); highest among the groups gnomAD compares: East Asian, 0.067%; no homozygotes.

Submissions (4):

Labcorp Genetics (formerly Invitae), Labcorp
Classification: Uncertain significance for Distal myopathy with posterior leg and anterior hand involvement; Myofibrillar myopathy 5; Hypertrophic cardiomyopathy 26. Last evaluated: 2025-12-08. Review status: criteria provided, single submitter. Criteria: Invitae Variant Classification Sherloc (09022015). Collection method: clinical testing. Allele origin: germline.
Comment: This sequence change replaces threonine, which is neutral and polar, with methionine, which is neutral and non-polar, at codon 550 of the FLNC protein (p.Thr550Met). This variant is present in population databases (rs779802575, gnomAD 0.002%). This variant has not been reported in the literature in individuals affected with FLNC-related conditions. ClinVar contains an entry for this variant (Variation ID: 1428887). Invitae Evidence Modeling of protein sequence and biophysical properties (such as structural, functional, and spatial information, amino acid conservation, physicochemical variation, residue mobility, and thermodynamic stability) has been performed for this missense variant. However, the output from this modeling did not meet the statistical confidence thresholds required to predict the impact of this variant on FLNC protein function. In summary, the available evidence is currently insufficient to determine the role of this variant in disease. Therefore, it has been classified as a Variant of Uncertain Significance.

GeneDx
Classification: Uncertain significance. Last evaluated: 2025-06-26. Review status: criteria provided, single submitter. Criteria: GeneDx Variant Classification Process June 2021. Collection method: clinical testing. Allele origin: germline. Affected: yes.
Comment: Has not been previously published as pathogenic or benign to our knowledge; In silico analysis supports that this missense variant has a deleterious effect on protein structure/function

Ambry Genetics
Classification: Uncertain significance for Cardiovascular phenotype. Last evaluated: 2023-09-25. Review status: criteria provided, single submitter. Criteria: Ambry Variant Classification Scheme 2023. Collection method: clinical testing. Allele origin: germline.
Comment: The p.T550M variant (also known as c.1649C>T), located in coding exon 10 of the FLNC gene, results from a C to T substitution at nucleotide position 1649. The threonine at codon 550 is replaced by methionine, an amino acid with similar properties. This amino acid position is conserved. In addition, the in silico prediction for this alteration is inconclusive. Since supporting evidence is limited at this time, the clinical significance of this alteration remains unclear.

Revvity Omics, Revvity
Classification: Uncertain significance. Last evaluated: 2019-06-03. Review status: criteria provided, single submitter. Criteria: ACMG Guidelines, 2015. Collection method: clinical testing. Allele origin: germline.

NM_001458.5(FLNC):c.1649C>T (p.Thr550Met)

Gene: FLNC (filamin C; plus strand). Cytogenetic location: 7q32.1.
Variant type: single nucleotide variant.
Coding change: c.1649C>T on transcript NM_001458.5 (MANE Select); coding-DNA position 1649, C replaced by T.
Protein change: p.Thr550Met; replaces threonine 550 with methionine.
Molecular consequence: missense variant.
Genome position (GRCh38, 1-based): chr7:128,840,647, C>T. VCF-style: chr7-128840647-C-T. GRCh37 (hg19) VCF-style: chr7-128480701-C-T.
Other names: c.1649C>T, p.Thr550Met (NM_001127487.2); c.1649C>T (NM_001458.4); short protein forms T550M.
Identifiers: ClinVar variation 1428887 (VCV001428887.11), dbSNP rs779802575, ClinGen allele CA4474420.
Genomic context (GRCh38, chr7:128,840,647, plus strand): 5'-ATGGTGTGTTCGAGTGCGAGTACTACCCGGTGGTGCCTGGGAAGTATGTGGTGACCATCA[C>T]GTGGGGCGGCTACGCCATCCCTCGCAGGTGAGTACCTTGCGCCCCCCATGCTGTCCTGTC-3'
Protein context (NP_001449.3, residues 540-560): VVPGKYVVTI[Thr550Met]WGGYAIPRSP